The following is an entry in ClinVar:

NM_014567.5(BCAR1):c.454A>G (p.Thr152Ala)

Gene: BCAR1 (BCAR1 scaffold protein, Cas family member; minus strand). Cytogenetic location: 16q23.1.
Variant type: single nucleotide variant.
Coding change: c.454A>G on transcript NM_014567.5 (MANE Select); coding-DNA position 454, A replaced by G.
Protein change: p.Thr152Ala; replaces threonine 152 with alanine.
Molecular consequence: missense variant. On other transcripts: intron variant (1).
Genome position (GRCh38, 1-based): chr16:75,242,649, T>C on the plus strand (A>G on the coding strand, the complement: BCAR1 is on the minus strand). VCF-style: chr16-75242649-T-C. GRCh37 (hg19) VCF-style: chr16-75276547-T-C.
Other names: c.592A>G, p.Thr198Ala (NM_001170714.3); c.508A>G, p.Thr170Ala (NM_001170715.3, NM_001170716.3); c.454A>G, p.Thr152Ala (NM_001170717.3, NM_001170718.3); c.448A>G, p.Thr150Ala (NM_001170719.3); c.189+265A>G (NM_001170720.3); short protein forms T150A, T152A, T170A, T198A.
Identifiers: ClinVar variation 2646874 (VCV002646874.24), dbSNP rs61736968, ClinGen allele CA8174451.

ClinVar aggregate classification (germline): Likely benign (1 of 4 stars; one submission).

Allele frequency attached by ClinVar (database versions not stated): 1000 Genomes Project 30x 0.00219; 1000 Genomes Project 0.00240; TOPMed 0.00348; ExAC 0.00383; gnomAD 0.00401; ESP Exome Variant Server 0.00446; gnomAD exomes 0.00606.
gnomAD v4.1: 8,805 of 1,521,840 alleles (0.58%); highest among the groups gnomAD compares: Non-Finnish European, 0.69%; 19 homozygotes.

Submission:

CeGaT Center for Human Genetics Tuebingen
Classification: Likely benign. Last evaluated: 2023-04-01. Review status: criteria provided, single submitter. Criteria: CeGaT Center For Human Genetics Tuebingen Variant Classification Criteria Version 2. Collection method: clinical testing. Allele origin: germline. Affected: yes. Observed: 1 variant allele.
Comment: BCAR1: BP4, BS2